The following is an entry in ClinVar:

NM_004204.5(PIGQ):c.201C>G (p.Cys67Trp)

Gene: PIGQ (phosphatidylinositol glycan anchor biosynthesis class Q; plus strand). Cytogenetic location: 16p13.3.
Variant type: single nucleotide variant.
Coding change: c.201C>G on transcript NM_004204.5 (MANE Select); coding-DNA position 201, C replaced by G.
Protein change: p.Cys67Trp; replaces cysteine 67 with tryptophan.
Molecular consequence: missense variant.
Genome position (GRCh38, 1-based): chr16:574,275, C>G. VCF-style: chr16-574275-C-G. GRCh37 (hg19) VCF-style: chr16-624275-C-G.
Other names: c.201C>G, p.Cys67Trp (NM_148920.4); short protein forms C67W.
Identifiers: ClinVar variation 4085195 (VCV004085195.8).

ClinVar aggregate classification (germline): Uncertain significance (1 of 4 stars; one submission).

Submission:

CeGaT Center for Human Genetics Tuebingen
Classification: Uncertain significance. Last evaluated: 2025-06-01. Review status: criteria provided, single submitter. Criteria: CeGaT Center For Human Genetics Tuebingen Variant Classification Criteria Version 2. Collection method: clinical testing. Allele origin: germline. Affected: yes. Observed: 1 variant allele.
Comment: PIGQ: PM2